The following is an entry in ClinVar:

ClinVar aggregate classification (germline): Likely benign. Review status: criteria provided, single submitter (1 of 4 stars). 2 submissions from 2 submitters: Likely benign (1). 1 of the submissions does not count toward it. Last evaluated 2025-11-04.

Conditions:
EOGT-related disorder. Also called: EOGT-related condition.
Adams-Oliver syndrome 4 (AOS4). Identifiers: Orphanet 974, MedGen C3809092, MONDO:0014124, OMIM 615297.

Allele frequency attached by ClinVar (database versions not stated): TOPMed below 0.00001; gnomAD exomes 0.00001; ExAC 0.00003.
gnomAD v4.1: 18 of 1,601,628 alleles (0.0011%); highest among the groups gnomAD compares: Admixed American, 0.019%; no homozygotes.

Submissions (2):

Labcorp Genetics (formerly Invitae), Labcorp
Classification: Likely benign for Adams-Oliver syndrome 4. Last evaluated: 2025-11-04. Review status: criteria provided, single submitter. Criteria: Invitae Variant Classification Sherloc (09022015). Collection method: clinical testing. Allele origin: germline.

PreventionGenetics, part of Exact Sciences
Classification: Likely benign for EOGT-related condition. Last evaluated: 2019-08-07. Review status: no assertion criteria provided. Collection method: clinical testing. Allele origin: germline. Not counted in ClinVar's aggregate classification.
Comment: This variant is classified as likely benign based on ACMG/AMP sequence variant interpretation guidelines (Richards et al. 2015 PMID: 25741868, with internal and published modifications).

NM_001278689.2(EOGT):c.1158A>G (p.Val386=)

Gene: EOGT (EGF domain specific O-linked N-acetylglucosamine transferase; minus strand). Cytogenetic location: 3p14.1.
Variant type: single nucleotide variant.
Coding change: c.1158A>G on transcript NM_001278689.2 (MANE Select); coding-DNA position 1158, A replaced by G.
Protein change: p.Val386=; no amino-acid change (valine 386 retained).
Molecular consequence: synonymous variant. On other transcripts: non-coding transcript variant (1).
Genome position (GRCh38, 1-based): chr3:68,982,867, T>C on the plus strand (A>G on the coding strand, the complement: EOGT is on the minus strand). VCF-style: chr3-68982867-T-C. GRCh37 (hg19) VCF-style: chr3-69032018-T-C.
Other names: c.906A>G (NM_173654.2); c.906A>G, p.Val302= (NM_173654.3).
Identifiers: ClinVar variation 2163235 (VCV002163235.6), dbSNP rs758054412, ClinGen allele CA2486691.